The following is an entry in ClinVar:

NM_004525.3(LRP2):c.13262del (p.Gly4421fs)

Gene: LRP2 (LDL receptor related protein 2; minus strand). Cytogenetic location: 2q31.1.
Variant type: Deletion.
Coding change: c.13262del on transcript NM_004525.3 (MANE Select); coding-DNA position 13262, one base deleted (G; older notation c.13262delG).
Protein change: p.Gly4421fs; shifts the reading frame from glycine 4421.
Molecular consequence: frameshift variant.
Genome position (GRCh38, 1-based): chr2:169,139,548, C deleted on the plus strand (G on the coding strand, the reverse complement: LRP2 is on the minus strand); the first of 2 consecutive C bases (chr2:169,139,548-169,139,549); deleting either gives the same sequence. VCF-style (leftmost placement, unchanged base first): chr2-169139547-TC-T. GRCh37 (hg19) VCF-style: chr2-169996057-TC-T.
Other names: short protein forms G4421fs.
Identifiers: ClinVar variation 2835071 (VCV002835071.3), dbSNP rs2545645314, ClinGen allele CA2739271506.

ClinVar aggregate classification (germline): Pathogenic (1 of 4 stars; one submission).

Submission:

Labcorp Genetics (formerly Invitae), Labcorp
Classification: Pathogenic. Last evaluated: 2023-04-26. Review status: criteria provided, single submitter. Criteria: Invitae Variant Classification Sherloc (09022015). Collection method: clinical testing. Allele origin: germline.
Comment: This variant has not been reported in the literature in individuals affected with LRP2-related conditions. This variant is not present in population databases (gnomAD no frequency). This sequence change creates a premature translational stop signal (p.Gly4421Glufs*5) in the LRP2 gene. It is expected to result in an absent or disrupted protein product. Loss-of-function variants in LRP2 are known to be pathogenic (PMID: 17632512, 25682901). For these reasons, this variant has been classified as Pathogenic.

Literature cited by the submitters: PubMed 17632512; PubMed 25682901.